The following is an entry in ClinVar:

ClinVar aggregate classification (germline): Uncertain significance. Review status: criteria provided, multiple submitters, no conflicts (2 of 4 stars). 2 submissions from 2 submitters: Uncertain significance (2). Last evaluated 2025-08-20.

Conditions:
PLOD1-related disorder. Also called: PLOD1-related condition.

gnomAD v4.1: 6 of 1,539,242 alleles (0.00039%); highest among the groups gnomAD compares: Non-Finnish European, 0.00052%; no homozygotes.

Submissions (2):

Mayo Clinic Laboratories, Mayo Clinic
Classification: Uncertain significance. Last evaluated: 2025-08-20. Review status: criteria provided, single submitter. Criteria: ACMG Guidelines, 2015. Collection method: clinical testing. Allele origin: germline. Observed: 1 variant allele.
Comment: BP4_moderate, PM2_supporting

PreventionGenetics, part of Exact Sciences
Classification: Uncertain significance for PLOD1-related condition. Last evaluated: 2025-07-29. Review status: criteria provided, single submitter. Criteria: ACMG Guidelines, 2015. Collection method: clinical testing. Allele origin: germline.
Comment: The PLOD1 c.8C>G variant is predicted to result in the amino acid substitution p.Pro3Arg. To our knowledge, this variant has not been reported in the literature or in a large population database (gnomAD), indicating this variant is rare. At this time, the clinical significance of this variant is uncertain due to the absence of conclusive functional and genetic evidence.

NM_000302.4(PLOD1):c.8C>G (p.Pro3Arg)

Gene: PLOD1 (procollagen-lysine,2-oxoglutarate 5-dioxygenase 1; plus strand). Cytogenetic location: 1p36.22.
Variant type: single nucleotide variant.
Coding change: c.8C>G on transcript NM_000302.4 (MANE Select); coding-DNA position 8, C replaced by G.
Protein change: p.Pro3Arg; replaces proline 3 with arginine.
Molecular consequence: missense variant.
Genome position (GRCh38, 1-based): chr1:11,934,787, C>G. VCF-style: chr1-11934787-C-G. GRCh37 (hg19) VCF-style: chr1-11994844-C-G.
Other names: p.Pro3Arg; c.8C>G (NM_000302.3); c.8C>G, p.Pro3Arg (NM_001316320.2); short protein forms P3R.
Identifiers: ClinVar variation 4542255 (VCV004542255.2).